The following is an entry in ClinVar:

ClinVar aggregate classification (germline): Benign (0 of 4 stars; one submission).

Conditions:
ZMYM6-related disorder. Also called: ZMYM6-related condition.

Allele frequency attached by ClinVar (database versions not stated): gnomAD exomes 0.04368; ESP Exome Variant Server 0.04721; gnomAD 0.05979; TOPMed 0.06587; ExAC 0.08005; 1000 Genomes Project 30x 0.12352; 1000 Genomes Project 0.13139.
gnomAD v4.1: 73,699 of 1,613,268 alleles (4.6%); highest among the groups gnomAD compares: East Asian, 39%; 5,065 homozygotes.

Submission:

PreventionGenetics, part of Exact Sciences
Classification: Benign for ZMYM6-related condition. Last evaluated: 2019-03-20. Review status: no assertion criteria provided. Collection method: clinical testing. Allele origin: germline.
Comment: This variant is classified as benign based on ACMG/AMP sequence variant interpretation guidelines (Richards et al. 2015 PMID: 25741868, with internal and published modifications).

NM_007167.4(ZMYM6):c.1814-4T>A

Gene: ZMYM6 (zinc finger MYM-type containing 6; minus strand). Cytogenetic location: 1p34.3.
Variant type: single nucleotide variant.
Coding change: c.1814-4T>A on transcript NM_007167.4 (MANE Select); 4 bases into the intron before coding-DNA position 1814, T replaced by A.
Molecular consequence: intron variant.
Genome position (GRCh38, 1-based): chr1:35,005,276, A>T on the plus strand (T>A on the coding strand, the complement: ZMYM6 is on the minus strand). VCF-style: chr1-35005276-A-T. GRCh37 (hg19) VCF-style: chr1-35470877-A-T.
Identifiers: ClinVar variation 3055374 (VCV003055374.2), dbSNP rs10158284, ClinGen allele CA756428.
Genomic context (GRCh38, chr1:35,005,276, plus strand): 5'-TATCTGTCCTTGCAGAAGGGAGCTCCGTCACAGCAGTTTTTGCTTTAGAAATATTTACTG[A>T]TTAAAATAAAAAGTTAAGATCTGGAATAAGCAAAAGGGTCTCTCTCTCATACACACTCAC-3'